The following is an entry in ClinVar:

ClinVar aggregate classification (germline): Uncertain significance (1 of 4 stars; one submission).

Conditions:
Common variable immunodeficiency (CVID). Also called: Common variable hypogamma-globulinemia; Common variable agammaglobulinemia. Identifiers: Orphanet 1572, MedGen C0009447, MONDO:0015517.

Submission:

Labcorp Genetics (formerly Invitae), Labcorp
Classification: Uncertain significance for Common variable immunodeficiency. Last evaluated: 2024-09-21. Review status: criteria provided, single submitter. Criteria: Invitae Variant Classification Sherloc (09022015). Collection method: clinical testing. Allele origin: germline.
Comment: This variant, c.36_38del, results in the deletion of 1 amino acid(s) of the TNFSF12 protein (p.Arg13del), but otherwise preserves the integrity of the reading frame. This variant is not present in population databases (gnomAD no frequency). This variant has not been reported in the literature in individuals affected with TNFSF12-related conditions. Experimental studies and prediction algorithms are not available or were not evaluated, and the functional significance of this variant is currently unknown. In summary, the available evidence is currently insufficient to determine the role of this variant in disease. Therefore, it has been classified as a Variant of Uncertain Significance.

NM_003809.3(TNFSF12):c.36_38del (p.Arg13del)

Genes: TNFSF12 (TNF superfamily member 12; plus strand), TNFSF12-TNFSF13 (TNFSF12-TNFSF13 readthrough; plus strand), LOC130060153 (ATAC-STARR-seq lymphoblastoid silent region 8127; plus strand). Cytogenetic location: 17p13.1.
Variant type: Deletion.
Coding change: c.36_38del on transcript NM_003809.3 (MANE Select); coding-DNA positions 36 to 38, 3 bases deleted (CCG; older notation c.36_38delCCG).
Protein change: p.Arg13del; deletes arginine 13.
Molecular consequence: non-coding transcript variant (on NR_037146.2).
Genome position (GRCh38, 1-based): chr17:7,549,189-7,549,191, CCG deleted; deleting any 3 consecutive bases within chr17:7,549,187-7,549,191 gives the same sequence; the c. name uses the placement nearest the transcript's 3' end. VCF-style (leftmost placement, unchanged base first): chr17-7549186-GCGC-G. GRCh37 (hg19) VCF-style: chr17-7452503-GCGC-G.
Other names: c.36_38del, p.Arg13del (NM_172089.4); short protein forms R13del.
Identifiers: ClinVar variation 3721250 (VCV003721250.2).